The following is an entry in ClinVar:

ClinVar aggregate classification (germline): Conflicting classifications of pathogenicity. Review status: criteria provided, conflicting classifications (1 of 4 stars). 5 submissions from 5 submitters: Uncertain significance (3); Likely benign (2). Last evaluated 2026-07-21.

Conditions:
Familial thoracic aortic aneurysm and aortic dissection (TAAD). Also called: Thoracic aortic aneurysms and dissections. Identifiers: Orphanet 91387, MedGen C4707243, MONDO:0019625.
Ehlers-Danlos syndrome, classic type, 1 (EDSCL1). Also called: EDS I; Ehlers-Danlos Syndrome, Classic Type, COL5A1-Related; EHLERS-DANLOS SYNDROME, GRAVIS TYPE; EHLERS-DANLOS SYNDROME, SEVERE CLASSIC TYPE; Ehlers-Danlos syndrome, type 1. Identifiers: MedGen C0268335, MONDO:0019567, OMIM 130000.
Connective tissue disorder. Also called: Connective tissue disease. Identifiers: MedGen C0009782, MONDO:0003900.

gnomAD v4.1: 17 of 1,613,724 alleles (0.0011%); highest among the groups gnomAD compares: Non-Finnish European, 0.0014%; no homozygotes.

Submissions (5):

Ambry Genetics
Classification: Likely benign for Familial thoracic aortic aneurysm and aortic dissection. Last evaluated: 2026-07-21. Review status: criteria provided, single submitter. Criteria: Ambry Variant Classification Scheme 2023. Collection method: clinical testing. Allele origin: germline.

Labcorp Genetics (formerly Invitae), Labcorp
Classification: Likely benign for Ehlers-Danlos syndrome, classic type, 1. Last evaluated: 2026-01-21. Review status: criteria provided, single submitter. Criteria: Invitae Variant Classification Sherloc (09022015). Collection method: clinical testing. Allele origin: germline.

GeneDx
Classification: Uncertain significance. Last evaluated: 2019-09-09. Review status: criteria provided, single submitter. Criteria: GeneDx Variant Classification Process June 2021. Collection method: clinical testing. Allele origin: germline. Affected: yes.
Comment: Has not been previously published as pathogenic or benign to our knowledge; Reported in ClinVar as a variant of uncertain significance (ClinVar Variant ID# 547287; Landrum et al., 2016); Not observed at a significant frequency in large population cohorts (Lek et al., 2016); In silico analysis, which includes protein predictors and evolutionary conservation, supports a deleterious effect

Fulgent Genetics
Classification: Uncertain significance for Connective tissue disorder. Last evaluated: 2018-10-31. Review status: criteria provided, single submitter. Criteria: ACMG Guidelines, 2015. Collection method: clinical testing. Allele origin: unknown.

Center for Human Genetics, Inc
Classification: Uncertain significance for Connective tissue disorder. Last evaluated: 2016-11-01. Review status: criteria provided, single submitter. Criteria: ACMG Guidelines, 2015. Collection method: clinical testing. Allele origin: germline. Affected: yes.

NM_000393.5(COL5A2):c.1658C>G (p.Pro553Arg)

Gene: COL5A2 (collagen type V alpha 2 chain; minus strand). Cytogenetic location: 2q32.2.
Variant type: single nucleotide variant.
Coding change: c.1658C>G on transcript NM_000393.5 (MANE Select); coding-DNA position 1658, C replaced by G.
Protein change: p.Pro553Arg; replaces proline 553 with arginine.
Molecular consequence: missense variant.
Genome position (GRCh38, 1-based): chr2:189,064,615, G>C on the plus strand (C>G on the coding strand, the complement: COL5A2 is on the minus strand). VCF-style: chr2-189064615-G-C. GRCh37 (hg19) VCF-style: chr2-189929341-G-C.
Other names: short protein forms P553R.
Identifiers: ClinVar variation 547287 (VCV000547287.12), dbSNP rs149203102, ClinGen allele CA62554502.